The following is an entry in ClinVar:

ClinVar aggregate classification (germline): Uncertain significance. Review status: criteria provided, multiple submitters, no conflicts (2 of 4 stars). 2 submissions from 2 submitters: Uncertain significance (2). Last evaluated 2021-07-11.

Conditions:
Hereditary cancer-predisposing syndrome. Also called: Tumor predisposition; Neoplastic Syndromes, Hereditary; Hereditary Cancer Syndrome; Hereditary neoplastic syndrome. Identifiers: Orphanet 140162, MedGen C0027672, MeSH D009386, MONDO:0015356.
Ataxia-telangiectasia syndrome (AT). Also called: ATAXIA-TELANGIECTASIA, COMPLEMENTATION GROUP A; ATAXIA-TELANGIECTASIA, FRESNO VARIANT; Ataxia-telangiectasia; Ataxia-telangiectasia, complementation group D; AT, COMPLEMENTATION GROUP C; Ataxia-telangiectasia, complementation group E. Identifiers: Orphanet 100, MedGen C0004135, MONDO:0008840, OMIM 208900.

Submissions (2):

Labcorp Genetics (formerly Invitae), Labcorp
Classification: Uncertain significance for Ataxia-telangiectasia syndrome. Last evaluated: 2021-07-11. Review status: criteria provided, single submitter. Criteria: Invitae Variant Classification Sherloc (09022015). Collection method: clinical testing. Allele origin: germline.
Comment: This sequence change replaces glutamine with arginine at codon 2002 of the ATM protein (p.Gln2002Arg). The glutamine residue is highly conserved and there is a small physicochemical difference between glutamine and arginine. In summary, the available evidence is currently insufficient to determine the role of this variant in disease. Therefore, it has been classified as a Variant of Uncertain Significance. Algorithms developed to predict the effect of sequence changes on RNA splicing suggest that this variant may disrupt the consensus splice site, but this prediction has not been confirmed by published transcriptional studies. Algorithms developed to predict the effect of missense changes on protein structure and function (SIFT, PolyPhen-2, Align-GVGD) all suggest that this variant is likely to be disruptive, but these predictions have not been confirmed by published functional studies and their clinical significance is uncertain. This variant has not been reported in the literature in individuals with ATM-related conditions. This variant is not present in population databases (ExAC no frequency).

Ambry Genetics
Classification: Uncertain significance for Hereditary cancer-predisposing syndrome. Last evaluated: 2019-04-26. Review status: criteria provided, single submitter. Criteria: Ambry Variant Classification Scheme 2023. Collection method: clinical testing. Allele origin: germline.
Comment: The p.Q2002R variant (also known as c.6005A>G), located in coding exon 39 of the ATM gene, results from an A to G substitution at nucleotide position 6005. The glutamine at codon 2002 is replaced by arginine, an amino acid with highly similar properties. This amino acid position is highly conserved in available vertebrate species. In addition, the in silico prediction for this alteration is inconclusive. Since supporting evidence is limited at this time, the clinical significance of this alteration remains unclear.

NM_000051.4(ATM):c.6005A>G (p.Gln2002Arg)

Genes: ATM (ATM serine/threonine kinase; plus strand), C11orf65 (chromosome 11 open reading frame 65; minus strand). Cytogenetic location: 11q22.3.
Variant type: single nucleotide variant.
Coding change: c.6005A>G on transcript NM_000051.4 (MANE Select); coding-DNA position 6005, A replaced by G.
Protein change: p.Gln2002Arg; replaces glutamine 2002 with arginine.
Molecular consequence: missense variant. On other transcripts: intron variant (2).
Genome position (GRCh38, 1-based): chr11:108,312,497, A>G. VCF-style: chr11-108312497-A-G. GRCh37 (hg19) VCF-style: chr11-108183224-A-G.
Other names: c.6005A>G, p.Gln2002Arg (NM_001351834.2); c.641-3426T>C (NM_001330368.2); c.*39-3426T>C (NM_001351110.2); short protein forms Q2002R.
Identifiers: ClinVar variation 826126 (VCV000826126.14), dbSNP rs1591759049, ClinGen allele CA382548816.